The following is an entry in ClinVar:

ClinVar aggregate classification (germline): Uncertain significance. Review status: criteria provided, multiple submitters, no conflicts (2 of 4 stars). 2 submissions from 2 submitters: Uncertain significance (2). Last evaluated 2021-08-28.

Conditions:
Asphyxiating thoracic dystrophy 5 (SRTD5). Also called: SHORT-RIB THORACIC DYSPLASIA 5 WITH OR WITHOUT POLYDACTYLY; SHORT-RIB THORACIC DYSPLASIA 5 WITHOUT POLYDACTYLY. Identifiers: Orphanet 474, MedGen C3280598, MONDO:0013717, OMIM 614376.
Senior-Loken syndrome 8 (SLSN8). Identifiers: Orphanet 3156, MedGen C4225376, MONDO:0014579, OMIM 616307.

Allele frequency attached by ClinVar (database versions not stated): gnomAD exomes below 0.00001; TOPMed 0.00001.
gnomAD v4.1: 3 of 1,605,492 alleles (0.00019%); highest among the groups gnomAD compares: Non-Finnish European, 0.00026%; no homozygotes.

Submissions (2):

Labcorp Genetics (formerly Invitae), Labcorp
Classification: Uncertain significance for Senior-Loken syndrome 8; Asphyxiating thoracic dystrophy 5. Last evaluated: 2021-08-28. Review status: criteria provided, single submitter. Criteria: Invitae Variant Classification Sherloc (09022015). Collection method: clinical testing. Allele origin: germline.
Comment: This sequence change replaces asparagine with serine at codon 1182 of the WDR19 protein (p.Asn1182Ser). The asparagine residue is highly conserved and there is a small physicochemical difference between asparagine and serine. This variant is not present in population databases (ExAC no frequency). This variant has not been reported in the literature in individuals affected with WDR19-related conditions. Algorithms developed to predict the effect of missense changes on protein structure and function (SIFT, PolyPhen-2, Align-GVGD) all suggest that this variant is likely to be tolerated. Algorithms developed to predict the effect of sequence changes on RNA splicing suggest that this variant may create or strengthen a splice site. In summary, the available evidence is currently insufficient to determine the role of this variant in disease. Therefore, it has been classified as a Variant of Uncertain Significance.

Breakthrough Genomics
Classification: Uncertain significance. Review status: criteria provided, single submitter. Criteria: ACMG Guidelines, 2015. Collection method: not provided. Allele origin: germline. Inheritance: Autosomal recessive inheritance. Affected: yes.

NM_025132.4(WDR19):c.3545A>G (p.Asn1182Ser)

Gene: WDR19 (WD repeat domain 19; plus strand). Cytogenetic location: 4p14.
Variant type: single nucleotide variant.
Coding change: c.3545A>G on transcript NM_025132.4 (MANE Select); coding-DNA position 3545, A replaced by G.
Protein change: p.Asn1182Ser; replaces asparagine 1182 with serine.
Molecular consequence: missense variant.
Genome position (GRCh38, 1-based): chr4:39,273,041, A>G. VCF-style: chr4-39273041-A-G. GRCh37 (hg19) VCF-style: chr4-39274661-A-G.
Other names: c.3065A>G, p.Asn1022Ser (NM_001317924.2); short protein forms N1022S, N1182S.
Identifiers: ClinVar variation 1392380 (VCV001392380.6), dbSNP rs1277873234, ClinGen allele CA356647471.